The following is an entry in ClinVar:

ClinVar aggregate classification (germline): Uncertain significance (1 of 4 stars; one submission).

Conditions:
Microcephaly, normal intelligence and immunodeficiency (NBS). Also called: BERLIN BREAKAGE SYNDROME; Ataxia telangiectasia variant V1; IMMUNODEFICIENCY, MICROCEPHALY, AND CHROMOSOMAL INSTABILITY; SEEMANOVA SYNDROME II; Immunodeficiency, microcephaly with normal intelligence; Nijmegen breakage syndrome. Identifiers: Orphanet 647, MedGen C0398791, MONDO:0009623, OMIM 251260.

Submission:

Labcorp Genetics (formerly Invitae), Labcorp
Classification: Uncertain significance for Microcephaly, normal intelligence and immunodeficiency. Last evaluated: 2021-05-26. Review status: criteria provided, single submitter. Criteria: Invitae Variant Classification Sherloc (09022015). Collection method: clinical testing. Allele origin: germline.
Comment: This sequence change replaces aspartic acid with tyrosine at codon 554 of the NBN protein (p.Asp554Tyr). The aspartic acid residue is weakly conserved and there is a large physicochemical difference between aspartic acid and tyrosine. In summary, the available evidence is currently insufficient to determine the role of this variant in disease. Therefore, it has been classified as a Variant of Uncertain Significance. Algorithms developed to predict the effect of sequence changes on RNA splicing suggest that this variant may create or strengthen a splice site, but this prediction has not been confirmed by published transcriptional studies. Algorithms developed to predict the effect of missense changes on protein structure and function are either unavailable or do not agree on the potential impact of this missense change (SIFT: "Tolerated"; PolyPhen-2: "Possibly Damaging"; Align-GVGD: "Class C0"). This variant has not been reported in the literature in individuals with NBN-related conditions. ClinVar contains an entry for this variant (Variation ID: 492099). This variant is not present in population databases (ExAC no frequency).

NM_002485.5(NBN):c.1660G>T (p.Asp554Tyr)

Gene: NBN (nibrin; minus strand). Cytogenetic location: 8q21.3.
Variant type: single nucleotide variant.
Coding change: c.1660G>T on transcript NM_002485.5 (MANE Select); coding-DNA position 1660, G replaced by T.
Protein change: p.Asp554Tyr; replaces aspartic acid 554 with tyrosine.
Molecular consequence: missense variant.
Genome position (GRCh38, 1-based): chr8:89,953,429, C>A on the plus strand (G>T on the coding strand, the complement: NBN is on the minus strand). VCF-style: chr8-89953429-C-A. GRCh37 (hg19) VCF-style: chr8-90965657-C-A.
Other names: c.1414G>T, p.Asp472Tyr (NM_001024688.3); short protein forms D554Y, D472Y.
Identifiers: ClinVar variation 492099 (VCV000492099.11), dbSNP rs1554558349, ClinGen allele CA371655376.